The following is an entry in ClinVar:

NM_000195.5(HPS1):c.1101C>G (p.His367Gln)

Gene: HPS1 (HPS1 biogenesis of lysosomal organelles complex 3 subunit 1; minus strand). Cytogenetic location: 10q24.2.
Variant type: single nucleotide variant.
Coding change: c.1101C>G on transcript NM_000195.5 (MANE Select); coding-DNA position 1101, C replaced by G.
Protein change: p.His367Gln; replaces histidine 367 with glutamine.
Molecular consequence: missense variant.
Genome position (GRCh38, 1-based): chr10:98,425,872, G>C on the plus strand (C>G on the coding strand, the complement: HPS1 is on the minus strand). VCF-style: chr10-98425872-G-C. GRCh37 (hg19) VCF-style: chr10-100185629-G-C.
Other names: c.129C>G, p.His43Gln (NM_001311345.2, NM_001322487.2, NM_001322489.2); c.1101C>G, p.His367Gln (NM_001322476.2, NM_001322477.2); c.1002C>G, p.His334Gln (NM_001322478.2, NM_001322479.2); c.840C>G, p.His280Gln (NM_001322480.2, NM_001322481.2); c.741C>G, p.His247Gln (NM_001322482.2); c.732C>G, p.His244Gln (NM_001322483.2, NM_001322484.2); c.633C>G, p.His211Gln (NM_001322485.2); short protein forms H244Q, H367Q, H247Q, H280Q, H334Q, H43Q, H211Q.
Identifiers: ClinVar variation 1944863 (VCV001944863.3), dbSNP rs771472183, ClinGen allele CA5639141.
Genomic context (GRCh38, chr10:98,425,872, plus strand): 5'-TCCTACCCTGGTCAGGAGCACCAGGTTGATGCCCTGCCACAGGGGCAGGCAGTACATGGT[G>C]TGGGGCACTAGGGGGCAGTAGCTTTCCTTCACGTTGGCATCCAGGAAGATCCTTCTGGGG-3'
Protein context (NP_000186.2, residues 357-377): VKESYCPLVP[His367Gln]TMYCLPLWQG

ClinVar aggregate classification (germline): Uncertain significance. Review status: criteria provided, multiple submitters, no conflicts (2 of 4 stars). 2 submissions from 2 submitters: Uncertain significance (2). Last evaluated 2024-02-13.

Conditions:
Hermansky-Pudlak syndrome 1 (HPS1). Also called: DELTA STORAGE POOL DISEASE. Identifiers: Orphanet 231500, Orphanet 79430, MedGen C2931875, MONDO:0008748, OMIM 203300.

Allele frequency attached by ClinVar (database versions not stated): ExAC 0.00001.
gnomAD v4.1: 1 of 1,614,168 alleles (0.000062%); highest among the groups gnomAD compares: Admixed American, 0.0017%; no homozygotes.

Submissions (2):

Fulgent Genetics
Classification: Uncertain significance for Hermansky-Pudlak syndrome 1. Last evaluated: 2024-02-13. Review status: criteria provided, single submitter. Criteria: ACMG Guidelines, 2015. Collection method: clinical testing. Allele origin: germline.

Labcorp Genetics (formerly Invitae), Labcorp
Classification: Uncertain significance. Last evaluated: 2022-05-24. Review status: criteria provided, single submitter. Criteria: Invitae Variant Classification Sherloc (09022015). Collection method: clinical testing. Allele origin: germline.
Comment: This sequence change replaces histidine, which is basic and polar, with glutamine, which is neutral and polar, at codon 367 of the HPS1 protein (p.His367Gln). This variant is present in population databases (rs771472183, gnomAD 0.003%). This variant has not been reported in the literature in individuals affected with HPS1-related conditions. Algorithms developed to predict the effect of missense changes on protein structure and function are either unavailable or do not agree on the potential impact of this missense change (SIFT: "Tolerated"; PolyPhen-2: "Probably Damaging"; Align-GVGD: "Class C0"). Algorithms developed to predict the effect of sequence changes on RNA splicing suggest that this variant may create or strengthen a splice site. In summary, the available evidence is currently insufficient to determine the role of this variant in disease. Therefore, it has been classified as a Variant of Uncertain Significance.